The following is an entry in ClinVar:

NM_000531.6(OTC):c.344A>G (p.Asp115Gly)

Gene: OTC (ornithine transcarbamylase; plus strand). Cytogenetic location: Xp11.4.
Variant type: single nucleotide variant.
Coding change: c.344A>G on transcript NM_000531.6 (MANE Select); coding-DNA position 344, A replaced by G.
Protein change: p.Asp115Gly; replaces aspartic acid 115 with glycine.
Molecular consequence: missense variant.
Genome position (GRCh38, 1-based): chrX:38,381,387, A>G. VCF-style: chrX-38381387-A-G. GRCh37 (hg19) VCF-style: chrX-38240640-A-G.
Other names: c.344A>G, p.Asp115Gly (NM_001407092.1); c.344A>G (NM_000531.5); short protein forms D115G.
Identifiers: ClinVar variation 1998312 (VCV001998312.5), dbSNP rs2519959175, ClinGen allele CA412718388.

ClinVar aggregate classification (germline): Uncertain significance. Review status: criteria provided, multiple submitters, no conflicts (2 of 4 stars). 2 submissions from 2 submitters: Uncertain significance (2). Last evaluated 2024-12-11.

Conditions:
Ornithine carbamoyltransferase deficiency (OTCD). Also called: Ornithine Carbamoyltransferase Deficiency Disease; ORNITHINE TRANSCARBAMYLASE DEFICIENCY; ORNITHINE TRANSCARBAMYLASE DEFICIENCY, HYPERAMMONEMIA DUE TO; OTC DEFICIENCY. Identifiers: Orphanet 664, MedGen C0268542, MONDO:0010703, OMIM 311250.

Submissions (2):

GeneDx
Classification: Uncertain significance. Last evaluated: 2024-12-11. Review status: criteria provided, single submitter. Criteria: GeneDx Variant Classification Process June 2021. Collection method: clinical testing. Allele origin: germline. Affected: yes.
Comment: Not observed at significant frequency in large population cohorts (gnomAD); Published functional studies support this variant is associated with impaired OTC activity (PMID: 37146589); In silico analysis supports that this missense variant has a deleterious effect on protein structure/function; In silico analysis supports a deleterious effect on splicing; This variant is associated with the following publications: (PMID: 37146589)

Labcorp Genetics (formerly Invitae), Labcorp
Classification: Uncertain significance for Ornithine carbamoyltransferase deficiency. Last evaluated: 2022-08-16. Review status: criteria provided, single submitter. Criteria: Invitae Variant Classification Sherloc (09022015). Collection method: clinical testing. Allele origin: germline.
Comment: This sequence change replaces aspartic acid, which is acidic and polar, with glycine, which is neutral and non-polar, at codon 115 of the OTC protein (p.Asp115Gly). This variant is not present in population databases (gnomAD no frequency). This variant has not been reported in the literature in individuals affected with OTC-related conditions. Algorithms developed to predict the effect of sequence changes on RNA splicing suggest that this variant may disrupt the consensus splice site. In summary, the available evidence is currently insufficient to determine the role of this variant in disease. Therefore, it has been classified as a Variant of Uncertain Significance. Advanced modeling of protein sequence and biophysical properties (such as structural, functional, and spatial information, amino acid conservation, physicochemical variation, residue mobility, and thermodynamic stability) performed at Invitae indicates that this missense variant is expected to disrupt OTC protein function.